The following is an entry in ClinVar:

NM_001367624.2(ZNF469):c.5583_5584delinsAA (p.Ala1862Thr)

Gene: ZNF469 (zinc finger protein 469; plus strand). Cytogenetic location: 16q24.2.
Variant type: Indel.
Coding change: c.5583_5584delinsAA on transcript NM_001367624.2 (MANE Select); coding-DNA positions 5583 to 5584, GG replaced by AA.
Protein change: p.Ala1862Thr; replaces alanine 1862 with threonine.
Molecular consequence: missense variant.
Genome position (GRCh38, 1-based): chr16:88,433,053-88,433,054, GG replaced by AA. VCF-style: chr16-88433053-GG-AA. GRCh37 (hg19) VCF-style: chr16-88499461-GG-AA.
Other names: short protein forms A1862T.
Identifiers: ClinVar variation 1432634 (VCV001432634.3), dbSNP rs2142308086, ClinGen allele CA2573152830.

ClinVar aggregate classification (germline): Uncertain significance (1 of 4 stars; one submission).

Submission:

Labcorp Genetics (formerly Invitae), Labcorp
Classification: Uncertain significance. Last evaluated: 2021-09-17. Review status: criteria provided, single submitter. Criteria: Invitae Variant Classification Sherloc (09022015). Collection method: clinical testing. Allele origin: germline.
Comment: This sequence change replaces alanine with threonine at codon 1834 of the ZNF469 protein (p.Ala1834Thr). The alanine residue is weakly conserved and there is a small physicochemical difference between alanine and threonine. The frequency data for this variant in the population databases is not available, as this variant may be reported as separate entries in the ExAC database. This variant has not been reported in the literature in individuals affected with ZNF469-related conditions. Experimental studies and prediction algorithms are not available or were not evaluated, and the functional significance of this variant is currently unknown. In summary, the available evidence is currently insufficient to determine the role of this variant in disease. Therefore, it has been classified as a Variant of Uncertain Significance.